The following is an entry in ClinVar:

NM_001042492.3(NF1):c.233A>G (p.Asn78Ser)

Gene: NF1 (neurofibromin 1; plus strand). Cytogenetic location: 17q11.2.
Variant type: single nucleotide variant.
Coding change: c.233A>G on transcript NM_001042492.3 (MANE Select); coding-DNA position 233, A replaced by G.
Protein change: p.Asn78Ser; replaces asparagine 78 with serine.
Molecular consequence: missense variant.
Genome position (GRCh38, 1-based): chr17:31,159,038, A>G. VCF-style: chr17-31159038-A-G. GRCh37 (hg19) VCF-style: chr17-29486056-A-G.
Other names: c.233A>G, p.Asn78Ser (NM_000267.4, NM_001128147.3); short protein forms N78S.
Identifiers: ClinVar variation 1522699 (VCV001522699.10), dbSNP rs561555410, ClinGen allele CA398989585.

ClinVar aggregate classification (germline): Conflicting classifications of pathogenicity. Review status: criteria provided, conflicting classifications (1 of 4 stars). 2 submissions from 2 submitters: Uncertain significance (1); Likely benign (1). Last evaluated 2025-05-14.

Conditions:
Cardiovascular phenotype. Identifiers: MedGen CN230736.
Hereditary cancer-predisposing syndrome. Also called: Tumor predisposition; Hereditary neoplastic syndrome; Neoplastic Syndromes, Hereditary; Hereditary Cancer Syndrome. Identifiers: Orphanet 140162, MedGen C0027672, MeSH D009386, MONDO:0015356.
Neurofibromatosis, type 1 (NF1). Also called: VON RECKLINGHAUSEN DISEASE; Neurofibromatosis, type I; Peripheral type neurofibromatosis; NEUROFIBROMATOSIS, TYPE I, SOMATIC. Identifiers: Orphanet 636, MedGen C0027831, MONDO:0018975, OMIM 162200. Disease mechanism: loss of function.

Submissions (2):

Ambry Genetics
Classification: Likely benign for Cardiovascular phenotype; Hereditary cancer-predisposing syndrome. Last evaluated: 2025-05-14. Review status: criteria provided, single submitter. Criteria: Ambry Variant Classification Scheme 2023. Collection method: clinical testing. Allele origin: germline.

Labcorp Genetics (formerly Invitae), Labcorp
Classification: Uncertain significance for Neurofibromatosis, type 1. Last evaluated: 2024-10-17. Review status: criteria provided, single submitter. Criteria: Invitae Variant Classification Sherloc (09022015). Collection method: clinical testing. Allele origin: germline.
Comment: This sequence change replaces asparagine, which is neutral and polar, with serine, which is neutral and polar, at codon 78 of the NF1 protein (p.Asn78Ser). This variant is not present in population databases (gnomAD no frequency). This variant has not been reported in the literature in individuals affected with NF1-related conditions. ClinVar contains an entry for this variant (Variation ID: 1522699). Invitae Evidence Modeling of protein sequence and biophysical properties (such as structural, functional, and spatial information, amino acid conservation, physicochemical variation, residue mobility, and thermodynamic stability) has been performed for this missense variant. However, the output from this modeling did not meet the statistical confidence thresholds required to predict the impact of this variant on NF1 protein function. In summary, the available evidence is currently insufficient to determine the role of this variant in disease. Therefore, it has been classified as a Variant of Uncertain Significance.